The following is an entry in ClinVar:

ClinVar aggregate classification (germline): Uncertain significance (1 of 4 stars; one submission).

Conditions:
Amyotrophic lateral sclerosis type 21. Also called: VOCAL CORD AND PHARYNGEAL DYSFUNCTION WITH DISTAL MYOPATHY; MYOPATHY, DISTAL, 2. Identifiers: Orphanet 600, Orphanet 803, MedGen C3807521, MONDO:0011632, OMIM 606070.

Submission:

Labcorp Genetics (formerly Invitae), Labcorp
Classification: Uncertain significance for Amyotrophic lateral sclerosis type 21. Last evaluated: 2022-08-23. Review status: criteria provided, single submitter. Criteria: Invitae Variant Classification Sherloc (09022015). Collection method: clinical testing. Allele origin: germline.
Comment: In summary, the available evidence is currently insufficient to determine the role of this variant in disease. Therefore, it has been classified as a Variant of Uncertain Significance. Algorithms developed to predict the effect of missense changes on protein structure and function are either unavailable or do not agree on the potential impact of this missense change (SIFT: "Deleterious"; PolyPhen-2: "Benign"; Align-GVGD: "Class C0"). ClinVar contains an entry for this variant (Variation ID: 1347220). This variant has not been reported in the literature in individuals affected with MATR3-related conditions. This variant is not present in population databases (gnomAD no frequency). This sequence change replaces methionine, which is neutral and non-polar, with isoleucine, which is neutral and non-polar, at codon 539 of the MATR3 protein (p.Met539Ile).

NM_018834.6(MATR3):c.1617G>A (p.Met539Ile)

Gene: MATR3 (matrin 3; plus strand). Cytogenetic location: 5q31.2.
Variant type: single nucleotide variant.
Coding change: c.1617G>A on transcript NM_018834.6 (MANE Select); coding-DNA position 1617, G replaced by A.
Protein change: p.Met539Ile; replaces methionine 539 with isoleucine.
Molecular consequence: missense variant.
Genome position (GRCh38, 1-based): chr5:139,321,912, G>A. VCF-style: chr5-139321912-G-A. GRCh37 (hg19) VCF-style: chr5-138657601-G-A.
Other names: c.1617G>A, p.Met539Ile (NM_001194954.2, NM_001194955.2, NM_199189.3); c.753G>A, p.Met251Ile (NM_001194956.2); c.603G>A, p.Met201Ile (NM_001282278.2); short protein forms M201I, M251I, M539I.
Identifiers: ClinVar variation 1347220 (VCV001347220.8), dbSNP rs2152007107, ClinGen allele CA361142618.